The following is an entry in ClinVar:

ClinVar aggregate classification (germline): Uncertain significance. Review status: criteria provided, multiple submitters, no conflicts (2 of 4 stars). 2 submissions from 2 submitters: Uncertain significance (2). Last evaluated 2025-03-25.

Conditions:
Inborn genetic diseases. Identifiers: MedGen C0950123, MeSH D030342.
Mosaic variegated aneuploidy syndrome 1 (MVA1). Also called: Warburton-Anyane-Yeboa syndrome. Identifiers: Orphanet 1052, MedGen C1850343, MONDO:0009759, OMIM 257300.

Submissions (2):

Labcorp Genetics (formerly Invitae), Labcorp
Classification: Uncertain significance for Mosaic variegated aneuploidy syndrome 1. Last evaluated: 2025-03-25. Review status: criteria provided, single submitter. Criteria: Invitae Variant Classification Sherloc (09022015). Collection method: clinical testing. Allele origin: germline.
Comment: This sequence change replaces glutamine, which is neutral and polar, with histidine, which is basic and polar, at codon 970 of the BUB1B protein (p.Gln970His). This variant is not present in population databases (gnomAD no frequency). This variant has not been reported in the literature in individuals affected with BUB1B-related conditions. ClinVar contains an entry for this variant (Variation ID: 1797581). An algorithm developed to predict the effect of missense changes on protein structure and function outputs the following: PolyPhen-2: "Benign". The histidine amino acid residue is found in multiple mammalian species, which suggests that this missense change does not adversely affect protein function. In summary, the available evidence is currently insufficient to determine the role of this variant in disease. Therefore, it has been classified as a Variant of Uncertain Significance.

Ambry Genetics
Classification: Uncertain significance for Inborn genetic diseases. Last evaluated: 2021-07-27. Review status: criteria provided, single submitter. Criteria: Ambry Variant Classification Scheme 2023. Collection method: clinical testing. Allele origin: germline.
Comment: The p.Q970H variant (also known as c.2910G>T), located in coding exon 22 of the BUB1B gene, results from a G to T substitution at nucleotide position 2910. The glutamine at codon 970 is replaced by histidine, an amino acid with highly similar properties. This amino acid position is conserved. In addition, this alteration is predicted to be tolerated by in silico analysis. Since supporting evidence is limited at this time, the clinical significance of this alteration remains unclear.

NM_001211.6(BUB1B):c.2910G>T (p.Gln970His)

Genes: BUB1B (BUB1 mitotic checkpoint serine/threonine kinase B; plus strand), BUB1B-PAK6 (BUB1B-PAK6 readthrough; plus strand). Cytogenetic location: 15q15.1.
Variant type: single nucleotide variant.
Coding change: c.2910G>T on transcript NM_001211.6 (MANE Select); coding-DNA position 2910, G replaced by T.
Protein change: p.Gln970His; replaces glutamine 970 with histidine.
Molecular consequence: missense variant. On other transcripts: intron variant (2).
Genome position (GRCh38, 1-based): chr15:40,218,515, G>T. VCF-style: chr15-40218515-G-T. GRCh37 (hg19) VCF-style: chr15-40510716-G-T.
Other names: c.-201+848G>T (NM_001128628.3); c.-118+848G>T (NM_001128629.3); short protein forms Q970H.
Identifiers: ClinVar variation 1797581 (VCV001797581.4), dbSNP rs1263577809, ClinGen allele CA391688306.